The following is an entry in ClinVar:

ClinVar aggregate classification (germline): Uncertain significance. Review status: criteria provided, single submitter (1 of 4 stars). 2 submissions from 2 submitters: Uncertain significance (1). 1 of the submissions does not count toward it. Last evaluated 2022-05-24.

Conditions:
TH-deficient dopa-responsive dystonia. Also called: DYT-TH; Tyrosine Hydroxylase-Deficient Dopa-Responsive Dystonia; Segawa syndrome, autosomal recessive. Identifiers: Orphanet 101150, MedGen C2673535, MONDO:0011551, OMIM 605407.

Allele frequency attached by ClinVar (database versions not stated): gnomAD exomes below 0.00001 and 0.00001.
gnomAD v4.1: 3 of 1,612,902 alleles (0.00019%); highest among the groups gnomAD compares: Admixed American, 0.0017%; no homozygotes.

Submissions (2):

Labcorp Genetics (formerly Invitae), Labcorp
Classification: Uncertain significance for TH-deficient dopa-responsive dystonia. Last evaluated: 2022-05-24. Review status: criteria provided, single submitter. Criteria: Invitae Variant Classification Sherloc (09022015). Collection method: clinical testing. Allele origin: germline.
Comment: This sequence change replaces glycine, which is neutral and non-polar, with alanine, which is neutral and non-polar, at codon 13 of the TH protein (p.Gly13Ala). The frequency data for this variant in the population databases is considered unreliable, as metrics indicate poor data quality at this position in the gnomAD database. This variant has not been reported in the literature in individuals affected with TH-related conditions. ClinVar contains an entry for this variant (Variation ID: 1009319). Algorithms developed to predict the effect of missense changes on protein structure and function are either unavailable or do not agree on the potential impact of this missense change (SIFT: "Tolerated"; PolyPhen-2: "Possibly Damaging"; Align-GVGD: "Class C0"). In summary, the available evidence is currently insufficient to determine the role of this variant in disease. Therefore, it has been classified as a Variant of Uncertain Significance.

Natera, Inc.
Classification: Uncertain significance for Autosomal recessive Segawa syndrome. Last evaluated: 2021-04-19. Review status: no assertion criteria provided. Collection method: clinical testing. Allele origin: germline. Not counted in ClinVar's aggregate classification.

NM_000360.4(TH):c.38G>C (p.Gly13Ala)

Gene: TH (tyrosine hydroxylase; minus strand). Cytogenetic location: 11p15.5.
Variant type: single nucleotide variant.
Coding change: c.38G>C on transcript NM_000360.4 (MANE Select); coding-DNA position 38, G replaced by C.
Protein change: p.Gly13Ala; replaces glycine 13 with alanine.
Molecular consequence: missense variant.
Genome position (GRCh38, 1-based): chr11:2,171,749, C>G on the plus strand (G>C on the coding strand, the complement: TH is on the minus strand). VCF-style: chr11-2171749-C-G. GRCh37 (hg19) VCF-style: chr11-2192979-C-G.
Other names: c.38G>C, p.Gly13Ala (NM_199292.3, NM_199293.3); short protein forms G13A.
Identifiers: ClinVar variation 1009319 (VCV001009319.8), dbSNP rs1225376055, ClinGen allele CA379112859.
Genomic context (GRCh38, chr11:2,171,749, plus strand): 5'-CCTCTTACCATGATGGCCTCTGCCTGCTTGGCGTCCAGCTCAGACACGGCCCTGCGGAAG[C>G]CCTTGGCCTGTGGCGTGGTGGCGTCGGGGGTGGGCATGGCTCAGTGTGGAGGTCCGGGCT-3'
Protein context (NP_000351.2, residues 3-23): TPDATTPQAK[Gly13Ala]FRRAVSELDA